The following is an entry in ClinVar:

ClinVar aggregate classification (germline): Uncertain significance (1 of 4 stars; one submission).

Allele frequency attached by ClinVar (database versions not stated): ExAC 0.00001; TOPMed 0.00001; gnomAD 0.00002.
gnomAD v4.1: 12 of 1,614,082 alleles (0.00074%); highest among the groups gnomAD compares: African/African-American, 0.0027%; no homozygotes.

Submission:

Labcorp Genetics (formerly Invitae), Labcorp
Classification: Uncertain significance. Last evaluated: 2022-08-27. Review status: criteria provided, single submitter. Criteria: Invitae Variant Classification Sherloc (09022015). Collection method: clinical testing. Allele origin: germline.
Comment: This sequence change replaces arginine, which is basic and polar, with cysteine, which is neutral and slightly polar, at codon 223 of the PUS1 protein (p.Arg223Cys). This variant is present in population databases (rs778147307, gnomAD 0.004%). This variant has not been reported in the literature in individuals affected with PUS1-related conditions. Algorithms developed to predict the effect of missense changes on protein structure and function are either unavailable or do not agree on the potential impact of this missense change (SIFT: "Deleterious"; PolyPhen-2: "Benign"; Align-GVGD: "Class C0"). In summary, the available evidence is currently insufficient to determine the role of this variant in disease. Therefore, it has been classified as a Variant of Uncertain Significance.

NM_025215.6(PUS1):c.667C>T (p.Arg223Cys)

Gene: PUS1 (pseudouridine synthase 1; plus strand). Cytogenetic location: 12q24.33.
Variant type: single nucleotide variant.
Coding change: c.667C>T on transcript NM_025215.6 (MANE Select); coding-DNA position 667, C replaced by T.
Protein change: p.Arg223Cys; replaces arginine 223 with cysteine.
Molecular consequence: missense variant.
Genome position (GRCh38, 1-based): chr12:131,941,414, C>T. VCF-style: chr12-131941414-C-T. GRCh37 (hg19) VCF-style: chr12-132425959-C-T.
Other names: c.583C>T, p.Arg195Cys (NM_001002019.3, NM_001002020.3); short protein forms R195C, R223C.
Identifiers: ClinVar variation 2157089 (VCV002157089.1), dbSNP rs778147307, ClinGen allele CA6884216.